The following is an entry in ClinVar:

ClinVar aggregate classification (germline): Uncertain significance (1 of 4 stars; one submission).

Conditions:
3-Methylglutaconic aciduria type 2 (BTHS). Also called: CARDIOSKELETAL MYOPATHY WITH NEUTROPENIA AND ABNORMAL MITOCHONDRIA; Barth syndrome. Identifiers: Orphanet 111, MedGen C0574083, MONDO:0010543, OMIM 302060.

Submission:

Labcorp Genetics (formerly Invitae), Labcorp
Classification: Uncertain significance for 3-Methylglutaconic aciduria type 2. Last evaluated: 2021-08-30. Review status: criteria provided, single submitter. Criteria: Invitae Variant Classification Sherloc (09022015). Collection method: clinical testing. Allele origin: germline.
Comment: In summary, the available evidence is currently insufficient to determine the role of this variant in disease. Therefore, it has been classified as a Variant of Uncertain Significance. Variants that disrupt the consensus splice site are a relatively common cause of aberrant splicing (PMID: 17576681, 9536098). Experimental studies and prediction algorithms are not available or were not evaluated, and the effect of this variant on mRNA splicing is currently unknown. Algorithms developed to predict the effect of missense changes on protein structure and function are either unavailable or do not agree on the potential impact of this missense change (SIFT: "Not Available"; PolyPhen-2: "Probably Damaging"; Align-GVGD: "Not Available"). This variant has not been reported in the literature in individuals affected with TAZ-related conditions. This variant is not present in population databases (ExAC no frequency). This sequence change replaces glycine with arginine at codon 181 of the TAZ protein (p.Gly181Arg). The glycine residue is highly conserved and there is a moderate physicochemical difference between glycine and arginine. This variant also falls at the last nucleotide of exon 6, which is part of the consensus splice site for this exon.

Literature cited by the submitters: PubMed 17576681; PubMed 9536098.

NM_000116.5(TAFAZZIN):c.541G>A (p.Gly181Arg)

Gene: TAFAZZIN (tafazzin, phospholipid-lysophospholipid transacylase; plus strand). Cytogenetic location: Xq28.
Variant type: single nucleotide variant.
Coding change: c.541G>A on transcript NM_000116.5 (MANE Select); coding-DNA position 541, G replaced by A.
Protein change: p.Gly181Arg; replaces glycine 181 with arginine.
Molecular consequence: missense variant. On other transcripts: non-coding transcript variant (1).
Genome position (GRCh38, 1-based): chrX:154,419,623, G>A. VCF-style: chrX-154419623-G-A. GRCh37 (hg19) VCF-style: chrX-153647962-G-A.
Other names: c.595G>A, p.Gly199Arg (NM_001303465.2); c.505G>A, p.Gly169Arg (NM_001410698.1); c.451G>A, p.Gly151Arg (NM_181311.4, NM_181313.4); c.541G>A, p.Gly181Arg (NM_181312.4); short protein forms G169R, G199R, G151R, G181R.
Identifiers: ClinVar variation 1967895 (VCV001967895.5), dbSNP rs2522985589, ClinGen allele CA415183764.